The following is an entry in ClinVar:

NM_133433.4(NIPBL):c.5048A>T (p.Asp1683Val)

Gene: NIPBL (NIPBL cohesin loading factor; plus strand). Cytogenetic location: 5p13.2.
Variant type: single nucleotide variant.
Coding change: c.5048A>T on transcript NM_133433.4 (MANE Select); coding-DNA position 5048, A replaced by T.
Protein change: p.Asp1683Val; replaces aspartic acid 1683 with valine.
Molecular consequence: missense variant.
Genome position (GRCh38, 1-based): chr5:37,020,496, A>T. VCF-style: chr5-37020496-A-T. GRCh37 (hg19) VCF-style: chr5-37020598-A-T.
Other names: c.5048A>T, p.Asp1683Val (NM_001438586.1, NM_015384.5); short protein forms D1683V.
Identifiers: ClinVar variation 4801414 (VCV004801414.1).

ClinVar aggregate classification (germline): Uncertain significance (1 of 4 stars; one submission).

Conditions:
Cornelia de Lange syndrome 1 (CDLS1). Also called: TYPUS DEGENERATIVUS AMSTELODAMENSIS; Brachmann de Lange syndrome; NIPBL-Related Cornelia de Lange Syndrome. Identifiers: Orphanet 199, MedGen C4551851, MONDO:0007387, OMIM 122470.

Submission:

Labcorp Genetics (formerly Invitae), Labcorp
Classification: Uncertain significance for Cornelia de Lange syndrome 1. Last evaluated: 2025-11-24. Review status: criteria provided, single submitter. Criteria: Invitae Variant Classification Sherloc (09022015). Collection method: clinical testing. Allele origin: germline.
Comment: This sequence change replaces aspartic acid, which is acidic and polar, with valine, which is neutral and non-polar, at codon 1683 of the NIPBL protein (p.Asp1683Val). This variant is not present in population databases (gnomAD no frequency). This variant has not been reported in the literature in individuals affected with NIPBL-related conditions. Invitae Evidence Modeling of protein sequence and biophysical properties (such as structural, functional, and spatial information, amino acid conservation, physicochemical variation, residue mobility, and thermodynamic stability) indicates that this missense variant is expected to disrupt NIPBL protein function with a positive predictive value of 95%. In summary, the available evidence is currently insufficient to determine the role of this variant in disease. Therefore, it has been classified as a Variant of Uncertain Significance.